The following is an entry in ClinVar:

NM_032730.5(RTN4IP1):c.1034C>T (p.Ala345Val)

Gene: RTN4IP1 (reticulon 4 interacting protein 1; minus strand). Cytogenetic location: 6q21.
Variant type: single nucleotide variant.
Coding change: c.1034C>T on transcript NM_032730.5 (MANE Select); coding-DNA position 1034, C replaced by T.
Protein change: p.Ala345Val; replaces alanine 345 with valine.
Molecular consequence: missense variant.
Genome position (GRCh38, 1-based): chr6:106,583,377, G>A on the plus strand (C>T on the coding strand, the complement: RTN4IP1 is on the minus strand). VCF-style: chr6-106583377-G-A. GRCh37 (hg19) VCF-style: chr6-107031252-G-A.
Other names: c.734C>T, p.Ala245Val (NM_001318746.1); short protein forms A345V, A245V.
Identifiers: ClinVar variation 1418236 (VCV001418236.8), dbSNP rs771392660, ClinGen allele CA3944303.

ClinVar aggregate classification (germline): Uncertain significance (1 of 4 stars; one submission).

Allele frequency attached by ClinVar (database versions not stated): gnomAD exomes 0.00001 and 0.00002; ExAC 0.00003.

Submission:

Labcorp Genetics (formerly Invitae), Labcorp
Classification: Uncertain significance. Last evaluated: 2021-02-05. Review status: criteria provided, single submitter. Criteria: Invitae Variant Classification Sherloc (09022015). Collection method: clinical testing. Allele origin: germline.
Comment: In summary, the available evidence is currently insufficient to determine the role of this variant in disease. Therefore, it has been classified as a Variant of Uncertain Significance. Algorithms developed to predict the effect of sequence changes on RNA splicing suggest that this variant may create or strengthen a splice site, but this prediction has not been confirmed by published transcriptional studies. Algorithms developed to predict the effect of missense changes on protein structure and function (SIFT, PolyPhen-2, Align-GVGD) all suggest that this variant is likely to be disruptive, but these predictions have not been confirmed by published functional studies and their clinical significance is uncertain. This variant has not been reported in the literature in individuals with RTN4IP1-related conditions. This variant is present in population databases (rs771392660, ExAC 0.02%). This sequence change replaces alanine with valine at codon 345 of the RTN4IP1 protein (p.Ala345Val). The alanine residue is weakly conserved and there is a small physicochemical difference between alanine and valine.